The following is an entry in ClinVar:

ClinVar aggregate classification (germline): Uncertain significance (1 of 4 stars; one submission).

Conditions:
Tuberous sclerosis 2 (TSC2). Identifiers: Orphanet 805, MedGen C1860707, MONDO:0013199, OMIM 613254.

Submission:

Dasa
Classification: Uncertain significance for Tuberous sclerosis 2. Last evaluated: 2025-05-16. Review status: criteria provided, single submitter. Criteria: DASA Assertion Criteria. Collection method: clinical testing. Allele origin: germline.
Comment: NM_000548.5(TSC2):c.3730C>G (p.His1244Asp) is a missense variant that results in the substitution of histidine with aspartic acid. This variant is absent from population databases. The currently available literature and clinical evidence are not sufficient to establish a definitive association between this variant and the reported condition. Therefore, this variant is classified as a variant of uncertain significance.

NM_000548.5(TSC2):c.3730C>G (p.His1244Asp)

Gene: TSC2 (TSC complex subunit 2; plus strand). Cytogenetic location: 16p13.3.
Variant type: single nucleotide variant.
Coding change: c.3730C>G on transcript NM_000548.5 (MANE Select); coding-DNA position 3730, C replaced by G.
Protein change: p.His1244Asp; replaces histidine 1244 with aspartic acid.
Molecular consequence: missense variant. On other transcripts: non-coding transcript variant (5).
Genome position (GRCh38, 1-based): chr16:2,081,714, C>G. VCF-style: chr16-2081714-C-G. GRCh37 (hg19) VCF-style: chr16-2131715-C-G.
Other names: c.2998C>G, p.His1000Asp (NM_001406688.1, NM_001406687.1, NM_001318831.2); c.2386C>G, p.His796Asp (NM_001406689.1); c.2257C>G, p.His753Asp (NM_001406690.1, NM_001406692.1, NM_001406693.1 and 1 more transcripts); c.2254C>G, p.His752Asp (NM_001406691.1, NM_001406695.1, NM_001406696.1 and 1 more transcripts); c.1996C>G, p.His666Asp (NM_001406698.1); c.3601C>G, p.His1201Asp (NM_021055.3, NM_001363528.2, NM_001370405.1); c.3691C>G, p.His1231Asp (NM_001406667.1); c.3688C>G, p.His1230Asp (NM_001406668.1); and 18 more; short protein forms H1000D, H1001D, H1043D, H1044D, H1047D, H1151D, H1152D, H1163D.
Identifiers: ClinVar variation 4886625 (VCV004886625.2).